The following is an entry in ClinVar:

NM_007294.4(BRCA1):c.3780dup (p.Leu1261fs)

Genes: BRCA1 (BRCA1 DNA repair associated; minus strand), LOC126862571 (BRD4-independent group 4 enhancer GRCh37_chr17:41243136-41244335; plus strand). Cytogenetic location: 17q21.31.
Variant type: Duplication.
Coding change: c.3780dup on transcript NM_007294.4 (MANE Select); coding-DNA position 3780, one base duplicated (A; older notation c.3780dupA).
Protein change: p.Leu1261fs; shifts the reading frame from leucine 1261.
Molecular consequence: frameshift variant. On other transcripts: intron variant (135).
Genome position (GRCh38, 1-based): chr17:43,091,751, T duplicated on the plus strand (A on the coding strand, the reverse complement: BRCA1 is on the minus strand). VCF-style (leftmost placement, unchanged base first): chr17-43091750-A-AT. GRCh37 (hg19) VCF-style: chr17-41243767-A-AT.
Other names: c.3780dupA (NM_007294.3); c.3654dup, p.Leu1219fs (NM_001407686.1, NM_001407687.1, NM_001407688.1 and 11 more transcripts); c.3639dup, p.Leu1214fs (NM_001407692.1, NM_001407694.1, NM_001407695.1 and 29 more transcripts); c.3636dup, p.Leu1213fs (NM_001407740.1, NM_001407741.1, NM_001407742.1 and 20 more transcripts); c.3567dup, p.Leu1190fs (NM_001407853.1, NM_001407894.1, NM_001407895.1 and 9 more transcripts); c.3780dup, p.Leu1261fs (NM_001407854.1, NM_001407858.1, NM_001407859.1 and 30 more transcripts); c.3777dup, p.Leu1260fs (NM_001407860.1, NM_001407861.1, NM_001407587.1 and 22 more transcripts); c.3579dup, p.Leu1194fs (NM_001407862.1); and 42 more; short protein forms L1214fs, L1261fs, L1172fs, L1191fs, L1213fs, L1219fs, L1220fs, L1260fs.
Identifiers: ClinVar variation 548291 (VCV000548291.2), dbSNP rs1555587063, ClinGen allele CA658823934.

ClinVar aggregate classification (germline): Pathogenic (3 of 4 stars; one submission).

Conditions:
Breast-ovarian cancer, familial, susceptibility to, 1 (BROVCA1). Also called: BRCA1 Hereditary Breast and Ovarian Cancer; OVARIAN CANCER, SUSCEPTIBILITY TO. Identifiers: Orphanet 145, MedGen C2676676, MONDO:0011450, OMIM 604370. Disease mechanism: loss of function.

Submission:

Evidence-based Network for the Interpretation of Germline Mutant Alleles (ENIGMA)
Classification: Pathogenic for Breast-ovarian cancer, familial, susceptibility to, 1. Last evaluated: 2017-12-15. Review status: reviewed by expert panel. Criteria: ENIGMA BRCA1/2 Classification Criteria (2017-06-29). Collection method: curation. Allele origin: germline. Study: ENIGMA.
Comment: Variant allele predicted to encode a truncated non-functional protein.